The following is an entry in ClinVar:

NM_014874.4(MFN2):c.1195G>A (p.Asp399Asn)

Gene: MFN2 (mitofusin 2; plus strand). Cytogenetic location: 1p36.22.
Variant type: single nucleotide variant.
Coding change: c.1195G>A on transcript NM_014874.4 (MANE Select); coding-DNA position 1195, G replaced by A.
Protein change: p.Asp399Asn; replaces aspartic acid 399 with asparagine.
Molecular consequence: missense variant.
Genome position (GRCh38, 1-based): chr1:12,004,026, G>A. VCF-style: chr1-12004026-G-A. GRCh37 (hg19) VCF-style: chr1-12064083-G-A.
Other names: c.1195G>A, p.Asp399Asn (NM_001127660.2); short protein forms D399N.
Identifiers: ClinVar variation 4740519 (VCV004740519.1).

ClinVar aggregate classification (germline): Uncertain significance (1 of 4 stars; one submission).

Conditions:
Charcot-Marie-Tooth disease type 2. Also called: Charcot-Marie-Tooth type 2. Identifiers: Orphanet 64746, MedGen C0270914, MONDO:0018993.

Submission:

Labcorp Genetics (formerly Invitae), Labcorp
Classification: Uncertain significance for Charcot-Marie-Tooth disease type 2. Last evaluated: 2025-05-09. Review status: criteria provided, single submitter. Criteria: Invitae Variant Classification Sherloc (09022015). Collection method: clinical testing. Allele origin: germline.
Comment: This sequence change replaces aspartic acid, which is acidic and polar, with asparagine, which is neutral and polar, at codon 399 of the MFN2 protein (p.Asp399Asn). This variant is not present in population databases (gnomAD no frequency). This variant has not been reported in the literature in individuals affected with MFN2-related conditions. Invitae Evidence Modeling of protein sequence and biophysical properties (such as structural, functional, and spatial information, amino acid conservation, physicochemical variation, residue mobility, and thermodynamic stability) has been performed for this missense variant. However, the output from this modeling did not meet the statistical confidence thresholds required to predict the impact of this variant on MFN2 protein function. In summary, the available evidence is currently insufficient to determine the role of this variant in disease. Therefore, it has been classified as a Variant of Uncertain Significance.